The following is an entry in ClinVar:

ClinVar aggregate classification (germline): Uncertain significance (1 of 4 stars; one submission).

Submission:

Labcorp Genetics (formerly Invitae), Labcorp
Classification: Uncertain significance. Last evaluated: 2023-10-13. Review status: criteria provided, single submitter. Criteria: Invitae Variant Classification Sherloc (09022015). Collection method: clinical testing. Allele origin: germline.
Comment: This sequence change replaces leucine, which is neutral and non-polar, with proline, which is neutral and non-polar, at codon 4953 of the FAT4 protein (p.Leu4953Pro). This variant is not present in population databases (gnomAD no frequency). This variant has not been reported in the literature in individuals affected with FAT4-related conditions. ClinVar contains an entry for this variant (Variation ID: 1429313). An algorithm developed to predict the effect of missense changes on protein structure and function (PolyPhen-2) suggests that this variant is likely to be disruptive. In summary, the available evidence is currently insufficient to determine the role of this variant in disease. Therefore, it has been classified as a Variant of Uncertain Significance.

NM_001291303.3(FAT4):c.14864T>C (p.Leu4955Pro)

Gene: FAT4 (FAT atypical cadherin 4; plus strand). Cytogenetic location: 4q28.1.
Variant type: single nucleotide variant.
Coding change: c.14864T>C on transcript NM_001291303.3 (MANE Select); coding-DNA position 14864, T replaced by C.
Protein change: p.Leu4955Pro; replaces leucine 4955 with proline.
Molecular consequence: missense variant.
Genome position (GRCh38, 1-based): chr4:125,491,680, T>C. VCF-style: chr4-125491680-T-C. GRCh37 (hg19) VCF-style: chr4-126412835-T-C.
Other names: c.14861T>C, p.Leu4954Pro (NM_001291285.3); c.14858T>C, p.Leu4953Pro (NM_024582.6); short protein forms L4953P, L4954P, L4955P.
Identifiers: ClinVar variation 1429313 (VCV001429313.6), dbSNP rs2126098929, ClinGen allele CA358143916.